The following is an entry in ClinVar:

NM_015506.3(MMACHC):c.816dup (p.Arg273fs)

Gene: MMACHC (metabolism of cobalamin associated C; plus strand). Cytogenetic location: 1p34.1.
Variant type: Duplication.
Coding change: c.816dup on transcript NM_015506.3 (MANE Select); coding-DNA position 816, one base duplicated (C; older notation c.816dupC).
Protein change: p.Arg273fs; shifts the reading frame from arginine 273.
Molecular consequence: frameshift variant.
Genome position (GRCh38, 1-based): chr1:45,509,182, C duplicated; the last of 4 consecutive C bases (chr1:45,509,179-45,509,182); duplicating any one gives the same sequence. VCF-style (leftmost placement, unchanged base first): chr1-45509178-G-GC. GRCh37 (hg19) VCF-style: chr1-45974850-G-GC.
Other names: c.645dup, p.Arg216fs (NM_001330540.2); short protein forms R216fs, R273fs.
Identifiers: ClinVar variation 4534811 (VCV004534811.6).

ClinVar aggregate classification (germline): Uncertain significance (1 of 4 stars; one submission).

Submission:

CeGaT Center for Human Genetics Tuebingen
Classification: Uncertain significance. Last evaluated: 2025-10-01. Review status: criteria provided, single submitter. Criteria: CeGaT Center For Human Genetics Tuebingen Variant Classification Criteria Version 2. Collection method: clinical testing. Allele origin: germline. Affected: yes. Observed: 1 variant allele.
Comment: MMACHC: PM2, PVS1:Moderate